The following is an entry in ClinVar:

NM_000051.4(ATM):c.4731T>C (p.Thr1577=)

Gene: ATM (ATM serine/threonine kinase; plus strand). Cytogenetic location: 11q22.3.
Variant type: single nucleotide variant.
Coding change: c.4731T>C on transcript NM_000051.4 (MANE Select); coding-DNA position 4731, T replaced by C.
Protein change: p.Thr1577=; no amino-acid change (threonine 1577 retained).
Molecular consequence: synonymous variant.
Genome position (GRCh38, 1-based): chr11:108,293,432, T>C. VCF-style: chr11-108293432-T-C. GRCh37 (hg19) VCF-style: chr11-108164159-T-C.
Other names: c.4731T>C, p.Thr1577= (NM_001351834.2).
Identifiers: ClinVar variation 185156 (VCV000185156.63), dbSNP rs145236132, ClinGen allele CA191175.

ClinVar aggregate classification (germline): Benign/Likely benign. Review status: criteria provided, multiple submitters, no conflicts (2 of 4 stars). 9 submissions from 9 submitters: Benign (1); Likely benign (8). Last evaluated 2026-01-19.

Conditions:
Familial colorectal cancer type X. Identifiers: Orphanet 440437, MedGen C3896578, MONDO:0018604.
Hereditary cancer-predisposing syndrome. Also called: Tumor predisposition; Neoplastic Syndromes, Hereditary; Hereditary Cancer Syndrome; Hereditary neoplastic syndrome. Identifiers: Orphanet 140162, MedGen C0027672, MeSH D009386, MONDO:0015356.
Familial cancer of breast. Also called: hereditary breast carcinoma; BREAST CANCER, FAMILIAL; Hereditary breast cancer. Identifiers: Orphanet 227535, MedGen C0346153, MONDO:0016419, OMIM 114480. Disease mechanism: loss of function.
Ataxia-telangiectasia syndrome (AT). Also called: LOUIS-BAR SYNDROME; Ataxia-telangiectasia, complementation group D; Ataxia telangiectasia (A-T); AT, COMPLEMENTATION GROUP C; ATAXIA-TELANGIECTASIA, COMPLEMENTATION GROUP A; ATAXIA-TELANGIECTASIA, FRESNO VARIANT. Identifiers: Orphanet 100, MedGen C0004135, MONDO:0008840, OMIM 208900.

Allele frequency attached by ClinVar (database versions not stated): TOPMed 0.00004; ESP Exome Variant Server 0.00008; ExAC 0.00002; gnomAD exomes 0.00002; gnomAD 0.00003.
gnomAD v4.1: 53 of 1,612,802 alleles (0.0033%); highest among the groups gnomAD compares: Non-Finnish European, 0.0043%; no homozygotes.

Submissions (9):

Labcorp Genetics (formerly Invitae), Labcorp
Classification: Likely benign for Ataxia-telangiectasia syndrome. Last evaluated: 2026-01-19. Review status: criteria provided, single submitter. Criteria: Invitae Variant Classification Sherloc (09022015). Collection method: clinical testing. Allele origin: germline.

Blueprint Genetics
Classification: Likely benign. Last evaluated: 2024-11-05. Review status: criteria provided, single submitter. Criteria: ACMG Guidelines, 2015. Collection method: clinical testing. Allele origin: germline.

Myriad Genetics, Inc.
Classification: Benign for Familial cancer of breast. Last evaluated: 2024-05-20. Review status: criteria provided, single submitter. Criteria: Myriad Autosomal Dominant, Autosomal Recessive and X-Linked Classification Criteria (2023). Collection method: clinical testing. Allele origin: unknown.
Comment: This variant is considered benign. This variant is a silent/synonymous amino acid change and it is not expected to impact splicing.

Department of Pathology and Laboratory Medicine, Sinai Health System
Classification: Likely benign for Familial colorectal cancer type X. Last evaluated: 2022-03-17. Review status: criteria provided, single submitter. Criteria: ACMG Guidelines, 2015. Collection method: clinical testing. Allele origin: germline. Affected: yes.

GeneDx
Classification: Likely benign. Last evaluated: 2021-01-18. Review status: criteria provided, single submitter. Criteria: GeneDx Variant Classification Process June 2021. Collection method: clinical testing. Allele origin: germline. Affected: yes.

Women's Health and Genetics/Laboratory Corporation of America, LabCorp
Classification: Likely benign. Last evaluated: 2020-05-30. Review status: criteria provided, single submitter. Criteria: LabCorp Variant Classification Summary - May 2015. Collection method: clinical testing. Allele origin: germline.

CeGaT Center for Human Genetics Tuebingen
Classification: Likely benign. Last evaluated: 2019-03-01. Review status: criteria provided, single submitter. Criteria: CeGaT Center For Human Genetics Tuebingen Variant Classification Criteria Version 2. Collection method: clinical testing. Allele origin: germline. Affected: yes. Observed: 1 variant allele.

Color Diagnostics, LLC DBA Color Health
Classification: Likely benign for Hereditary cancer-predisposing syndrome. Last evaluated: 2015-11-30. Review status: criteria provided, single submitter. Criteria: ACMG Guidelines, 2015. Collection method: clinical testing. Allele origin: germline.

Ambry Genetics
Classification: Likely benign for Hereditary cancer-predisposing syndrome. Last evaluated: 2014-06-12. Review status: criteria provided, single submitter. Criteria: Ambry Variant Classification Scheme 2023. Collection method: clinical testing. Allele origin: germline.